The following is an entry in ClinVar:

NM_001110556.2(FLNA):c.6971C>T (p.Pro2324Leu)

Gene: FLNA (filamin A; minus strand). Cytogenetic location: Xq28.
Variant type: single nucleotide variant.
Coding change: c.6971C>T on transcript NM_001110556.2 (MANE Select); coding-DNA position 6971, C replaced by T.
Protein change: p.Pro2324Leu; replaces proline 2324 with leucine.
Molecular consequence: missense variant.
Genome position (GRCh38, 1-based): chrX:154,351,633, G>A on the plus strand (C>T on the coding strand, the complement: FLNA is on the minus strand). VCF-style: chrX-154351633-G-A. GRCh37 (hg19) VCF-style: chrX-153580001-G-A.
Other names: c.6947C>T, p.Pro2316Leu (NM_001456.4); short protein forms P2324L, P2316L.
Identifiers: ClinVar variation 2950302 (VCV002950302.3), dbSNP rs1187581538, ClinGen allele CA415185700.

ClinVar aggregate classification (germline): Uncertain significance (1 of 4 stars; one submission).

Conditions:
Heterotopia, periventricular, X-linked dominant (PVNH1). Also called: PERIVENTRICULAR NODULAR HETEROTOPIA 1; X-linked periventricular heterotopia; PERIVENTRICULAR NODULAR HETEROTOPIA 4; HETEROTOPIA, PERIVENTRICULAR, 1. Identifiers: Orphanet 2149, Orphanet 82004, MedGen C1848213, MONDO:0010233, OMIM 300049.
Melnick-Needles syndrome (MNS). Also called: Melnick-Needles Syndrome (FLNA-MNS); MELNICK-NEEDLES OSTEODYSPLASTY; OSTEODYSPLASTY OF MELNICK AND NEEDLES. Identifiers: Orphanet 2484, MedGen C0025237, MONDO:0010650, OMIM 309350.
Frontometaphyseal dysplasia (FMD1). Identifiers: Orphanet 1826, MedGen C0265293, MONDO:0015942.
Oto-palato-digital syndrome, type II (OPD2). Also called: Otopalatodigital Syndrome Type 2 (FLNA-OPD2); FACIOPALATOOSSEOUS SYNDROME; OPD II SYNDROME; Otopalatodigital Syndrome, Type II. Identifiers: Orphanet 669, Orphanet 90652, MedGen C1844696, MONDO:0010571, OMIM 304120.

Allele frequency attached by ClinVar (database versions not stated): gnomAD 0.00001.

Submission:

Labcorp Genetics (formerly Invitae), Labcorp
Classification: Uncertain significance for Oto-palato-digital syndrome, type II; Heterotopia, periventricular, X-linked dominant; Frontometaphyseal dysplasia; Melnick-Needles syndrome. Last evaluated: 2023-11-08. Review status: criteria provided, single submitter. Criteria: Invitae Variant Classification Sherloc (09022015). Collection method: clinical testing. Allele origin: germline.
Comment: This sequence change replaces proline, which is neutral and non-polar, with leucine, which is neutral and non-polar, at codon 2316 of the FLNA protein (p.Pro2316Leu). This variant is present in population databases (no rsID available, gnomAD 0.1%). This variant has not been reported in the literature in individuals affected with FLNA-related conditions. Advanced modeling of protein sequence and biophysical properties (such as structural, functional, and spatial information, amino acid conservation, physicochemical variation, residue mobility, and thermodynamic stability) performed at Invitae indicates that this missense variant is not expected to disrupt FLNA protein function with a negative predictive value of 95%. In summary, the available evidence is currently insufficient to determine the role of this variant in disease. Therefore, it has been classified as a Variant of Uncertain Significance.